The following is an entry in ClinVar:

NM_003331.5(TYK2):c.256C>A (p.Pro86Thr)

Gene: TYK2 (tyrosine kinase 2; minus strand). Cytogenetic location: 19p13.2.
Variant type: single nucleotide variant.
Coding change: c.256C>A on transcript NM_003331.5 (MANE Select); coding-DNA position 256, C replaced by A.
Protein change: p.Pro86Thr; replaces proline 86 with threonine.
Molecular consequence: missense variant.
Genome position (GRCh38, 1-based): chr19:10,368,356, G>T on the plus strand (C>A on the coding strand, the complement: TYK2 is on the minus strand). VCF-style: chr19-10368356-G-T. GRCh37 (hg19) VCF-style: chr19-10479032-G-T.
Other names: c.256C>A (LRG_121t1); short protein forms P86T.
Identifiers: ClinVar variation 536648 (VCV000536648.7), dbSNP rs141466711, ClinGen allele CA9193802.

ClinVar aggregate classification (germline): Uncertain significance (1 of 4 stars; one submission).

Conditions:
Immunodeficiency 35 (IMD35). Also called: HIES WITH ATYPICAL MYCOBACTERIOSIS, AUTOSOMAL RECESSIVE; HYPER-IgE SYNDROME WITH ATYPICAL MYCOBACTERIOSIS, AUTOSOMAL RECESSIVE; TYK2 DEFICIENCY; Susceptibility to infection due to TYK2 deficiency. Identifiers: Orphanet 331226, MedGen C1969086, MONDO:0012682, OMIM 611521.

Allele frequency attached by ClinVar (database versions not stated): ExAC 0.00003; gnomAD 0.00003; gnomAD exomes 0.00006; TOPMed 0.00006; ESP Exome Variant Server 0.00008.
gnomAD v4.1: 107 of 1,614,036 alleles (0.0066%); highest among the groups gnomAD compares: Non-Finnish European, 0.0082%; no homozygotes.

Submission:

Labcorp Genetics (formerly Invitae), Labcorp
Classification: Uncertain significance for Immunodeficiency 35. Last evaluated: 2023-12-21. Review status: criteria provided, single submitter. Criteria: Invitae Variant Classification Sherloc (09022015). Collection method: clinical testing. Allele origin: germline.
Comment: This sequence change replaces proline, which is neutral and non-polar, with threonine, which is neutral and polar, at codon 86 of the TYK2 protein (p.Pro86Thr). This variant is present in population databases (rs141466711, gnomAD 0.009%). This variant has not been reported in the literature in individuals affected with TYK2-related conditions. ClinVar contains an entry for this variant (Variation ID: 536648). An algorithm developed to predict the effect of missense changes on protein structure and function (PolyPhen-2) suggests that this variant is likely to be disruptive. In summary, the available evidence is currently insufficient to determine the role of this variant in disease. Therefore, it has been classified as a Variant of Uncertain Significance.